The following is an entry in ClinVar:

ClinVar aggregate classification (germline): Uncertain significance. Review status: criteria provided, multiple submitters, no conflicts (2 of 4 stars). 2 submissions from 2 submitters: Uncertain significance (2). Last evaluated 2026-02-06.

Conditions:
Rhabdoid tumor predisposition syndrome 2 (RTPS2). Identifiers: Orphanet 231108, Orphanet 69077, MedGen C2750074, MONDO:0013224, OMIM 613325.
Hereditary cancer-predisposing syndrome. Also called: Tumor predisposition; Hereditary Cancer Syndrome; Hereditary neoplastic syndrome; Neoplastic Syndromes, Hereditary. Identifiers: Orphanet 140162, MedGen C0027672, MeSH D009386, MONDO:0015356.

Submissions (2):

Ambry Genetics
Classification: Uncertain significance for Hereditary cancer-predisposing syndrome. Last evaluated: 2026-02-06. Review status: criteria provided, single submitter. Criteria: Ambry Variant Classification Scheme 2023. Collection method: clinical testing. Allele origin: germline.
Comment: The c.4830_4847del18 variant (also known as p.E1611_E1616del) is located in coding exon 33 of the SMARCA4 gene. This variant results from an in-frame GGAAGAGGGCGAGGAGGA deletion at nucleotide positions 4830 to 4847. This results in the in-frame deletion of six amino acids (EEGEEE) at codons 1611 to 1616. This amino acid region is well conserved in available vertebrate species. In addition, this variant is predicted to be deleterious by in silico analysis (Choi Y et al. PLoS ONE. 2012; 7(10):e46688). Based on the available evidence, the clinical significance of this variant remains unclear.

Labcorp Genetics (formerly Invitae), Labcorp
Classification: Uncertain significance for Rhabdoid tumor predisposition syndrome 2. Last evaluated: 2023-12-24. Review status: criteria provided, single submitter. Criteria: Invitae Variant Classification Sherloc (09022015). Collection method: clinical testing. Allele origin: germline.
Comment: This variant, c.4830_4847del, results in the deletion of 6 amino acid(s) of the SMARCA4 protein (p.Glu1611_Glu1616del), but otherwise preserves the integrity of the reading frame. This variant is not present in population databases (gnomAD no frequency). This variant has not been reported in the literature in individuals affected with SMARCA4-related conditions. Experimental studies and prediction algorithms are not available or were not evaluated, and the functional significance of this variant is currently unknown. In summary, the available evidence is currently insufficient to determine the role of this variant in disease. Therefore, it has been classified as a Variant of Uncertain Significance.

NM_003072.5(SMARCA4):c.4734_4751del (p.Glu1579_Glu1584del)

Gene: SMARCA4 (SWI/SNF related BAF chromatin remodeling complex subunit ATPase 4; plus strand). Cytogenetic location: 19p13.2.
Variant type: Deletion.
Coding change: c.4734_4751del on transcript NM_003072.5 (MANE Select); coding-DNA positions 4734 to 4751, 18 bases deleted (GGAAGAGGGCGAGGAGGA).
Protein change: p.Glu1579_Glu1584del.
Molecular consequence: inframe deletion. On other transcripts: non-coding transcript variant (1).
Genome position (GRCh38, 1-based): chr19:11,059,851-11,059,868, GGAAGAGGGCGAGGAGGA deleted; deleting any 18 consecutive bases within chr19:11,059,843-11,059,868 gives the same sequence; the c. name uses the placement nearest the transcript's 3' end. VCF-style (leftmost placement, unchanged base first): chr19-11059842-TGAGGAGGAGGAAGAGGGC-T. GRCh37 (hg19) VCF-style: chr19-11170518-TGAGGAGGAGGAAGAGGGC-T.
Other names: c.4734_4751del, p.Glu1579_Glu1584del (NM_001128844.3); c.4644_4661del, p.Glu1549_Glu1554del (NM_001128845.2); c.4641_4658del, p.Glu1548_Glu1553del (NM_001128846.2); c.4635_4652del, p.Glu1546_Glu1551del (NM_001128847.4, NM_001374457.1); c.4632_4649del, p.Glu1545_Glu1550del (NM_001128848.2); c.4830_4847del, p.Glu1611_Glu1616del (NM_001128849.3, NM_001387283.1); c.4731_4748del, p.Glu1578_Glu1583del (NM_001411150.1); c.4830_4847del18 (NM_001128849.1).
Identifiers: ClinVar variation 2705188 (VCV002705188.4), dbSNP rs2515805904, ClinGen allele CA2582468100.